The following is an entry in ClinVar:

ClinVar aggregate classification (germline): Uncertain significance (1 of 4 stars; one submission).

Allele frequency attached by ClinVar (database versions not stated): ExAC 0.00007; ESP Exome Variant Server 0.00008; TOPMed 0.00010; gnomAD 0.00012; 1000 Genomes Project 30x 0.00062; 1000 Genomes Project 0.00080.
gnomAD v4.1: 62 of 1,613,598 alleles (0.0038%); highest among the groups gnomAD compares: African/African-American, 0.016%; no homozygotes.

Submission:

Labcorp Genetics (formerly Invitae), Labcorp
Classification: Uncertain significance. Last evaluated: 2021-11-16. Review status: criteria provided, single submitter. Criteria: Invitae Variant Classification Sherloc (09022015). Collection method: clinical testing. Allele origin: germline.
Comment: This sequence change replaces threonine, which is neutral and polar, with methionine, which is neutral and non-polar, at codon 77 of the COL27A1 protein (p.Thr77Met). This variant is present in population databases (rs137868129, gnomAD 0.04%). This variant has not been reported in the literature in individuals affected with COL27A1-related conditions. Advanced modeling of protein sequence and biophysical properties (such as structural, functional, and spatial information, amino acid conservation, physicochemical variation, residue mobility, and thermodynamic stability) performed at Invitae indicates that this missense variant is not expected to disrupt COL27A1 protein function. In summary, the available evidence is currently insufficient to determine the role of this variant in disease. Therefore, it has been classified as a Variant of Uncertain Significance.

NM_032888.4(COL27A1):c.230C>T (p.Thr77Met)

Gene: COL27A1 (collagen type XXVII alpha 1 chain; plus strand). Cytogenetic location: 9q32.
Variant type: single nucleotide variant.
Coding change: c.230C>T on transcript NM_032888.4 (MANE Select); coding-DNA position 230, C replaced by T.
Protein change: p.Thr77Met; replaces threonine 77 with methionine.
Molecular consequence: missense variant.
Genome position (GRCh38, 1-based): chr9:114,167,785, C>T. VCF-style: chr9-114167785-C-T. GRCh37 (hg19) VCF-style: chr9-116930065-C-T.
Other names: short protein forms T77M.
Identifiers: ClinVar variation 2062909 (VCV002062909.1), dbSNP rs137868129, ClinGen allele CA5201078.